The following is an entry in ClinVar:

ClinVar aggregate classification (germline): Uncertain significance (1 of 4 stars; one submission).

Allele frequency attached by ClinVar (database versions not stated): gnomAD exomes below 0.00001.
gnomAD v4.1: 1 of 1,613,844 alleles (0.000062%); highest among the groups gnomAD compares: Non-Finnish European, 0.000085%; no homozygotes.

Submission:

Labcorp Genetics (formerly Invitae), Labcorp
Classification: Uncertain significance. Last evaluated: 2022-05-20. Review status: criteria provided, single submitter. Criteria: Invitae Variant Classification Sherloc (09022015). Collection method: clinical testing. Allele origin: germline.
Comment: This sequence change replaces serine, which is neutral and polar, with proline, which is neutral and non-polar, at codon 608 of the CACNA1B protein (p.Ser608Pro). This variant is not present in population databases (gnomAD no frequency). This variant has not been reported in the literature in individuals affected with CACNA1B-related conditions. Advanced modeling of protein sequence and biophysical properties (such as structural, functional, and spatial information, amino acid conservation, physicochemical variation, residue mobility, and thermodynamic stability) performed at Invitae indicates that this missense variant is expected to disrupt CACNA1B protein function. In summary, the available evidence is currently insufficient to determine the role of this variant in disease. Therefore, it has been classified as a Variant of Uncertain Significance.

NM_000718.4(CACNA1B):c.1822T>C (p.Ser608Pro)

Gene: CACNA1B (calcium voltage-gated channel subunit alpha1 B; plus strand). Cytogenetic location: 9q34.3.
Variant type: single nucleotide variant.
Coding change: c.1822T>C on transcript NM_000718.4 (MANE Select); coding-DNA position 1822, T replaced by C.
Protein change: p.Ser608Pro; replaces serine 608 with proline.
Molecular consequence: missense variant.
Genome position (GRCh38, 1-based): chr9:137,986,465, T>C. VCF-style: chr9-137986465-T-C. GRCh37 (hg19) VCF-style: chr9-140880917-T-C.
Other names: c.1822T>C, p.Ser608Pro (NM_001243812.2); short protein forms S608P.
Identifiers: ClinVar variation 1955410 (VCV001955410.2), dbSNP rs2539296453, ClinGen allele CA375807968.